The following is an entry in ClinVar:

NM_024312.5(GNPTAB):c.3428A>G (p.Asn1143Ser)

Gene: GNPTAB (N-acetylglucosamine-1-phosphate transferase subunits alpha and beta; minus strand). Cytogenetic location: 12q23.2.
Variant type: single nucleotide variant.
Coding change: c.3428A>G on transcript NM_024312.5 (MANE Select); coding-DNA position 3428, A replaced by G.
Protein change: p.Asn1143Ser; replaces asparagine 1143 with serine.
Molecular consequence: missense variant.
Genome position (GRCh38, 1-based): chr12:101,757,218, T>C on the plus strand (A>G on the coding strand, the complement: GNPTAB is on the minus strand). VCF-style: chr12-101757218-T-C. GRCh37 (hg19) VCF-style: chr12-102150996-T-C.
Other names: short protein forms N1143S.
Identifiers: ClinVar variation 3342685 (VCV003342685.1).

ClinVar aggregate classification (germline): Uncertain significance (1 of 4 stars; one submission).

gnomAD v4.1: 1 of 1,555,062 alleles (0.000064%); highest among the groups gnomAD compares: Admixed American, 0.0017%; no homozygotes.

Submission:

GeneDx
Classification: Uncertain significance. Last evaluated: 2024-01-13. Review status: criteria provided, single submitter. Criteria: GeneDx Variant Classification Process June 2021. Collection method: clinical testing. Allele origin: germline. Affected: yes.
Comment: Not observed at significant frequency in large population cohorts (gnomAD); In silico analysis supports that this missense variant does not alter protein structure/function; Has not been previously published as pathogenic or benign to our knowledge